The following is an entry in ClinVar:

ClinVar aggregate classification (germline): Uncertain significance. Review status: criteria provided, multiple submitters, no conflicts (2 of 4 stars). 3 submissions from 3 submitters: Uncertain significance (3). Last evaluated 2025-06-14.

Conditions:
TBXAS1-related disorder. Also called: TBXAS1-related condition.

Allele frequency attached by ClinVar (database versions not stated): gnomAD 0.00003; TOPMed 0.00007; ESP Exome Variant Server 0.00008.
gnomAD v4.1: 96 of 1,614,134 alleles (0.0059%); highest among the groups gnomAD compares: Non-Finnish European, 0.0077%; no homozygotes.

Submissions (3):

PreventionGenetics, part of Exact Sciences
Classification: Uncertain significance for TBXAS1-related condition. Last evaluated: 2025-06-14. Review status: criteria provided, single submitter. Criteria: ACMG Guidelines, 2015. Collection method: clinical testing. Allele origin: germline.
Comment: The TBXAS1 c.851T>C variant is predicted to result in the amino acid substitution p.Leu284Pro. This variant has been reported in compound heterozygous state with a variant of uncertain significance in an individual with clinical features of Ghosal hematodiaphyseal dysplasia [described as c.989T>C (p.Leu330Pro) in Sharma et al. 2017. PubMed ID: 28868793]. This variant is reported in 0.0054% of alleles in individuals of European (Non-Finnish) descent in gnomAD. At this time, the clinical significance of this variant is uncertain due to the absence of conclusive functional and genetic evidence.

Mayo Clinic Laboratories, Mayo Clinic
Classification: Uncertain significance. Last evaluated: 2025-03-13. Review status: criteria provided, single submitter. Criteria: ACMG Guidelines, 2015. Collection method: clinical testing. Allele origin: germline. Observed: 1 variant allele.
Comment: PP3_moderate

Women's Health and Genetics/Laboratory Corporation of America, LabCorp
Classification: Uncertain significance. Last evaluated: 2023-10-20. Review status: criteria provided, single submitter. Criteria: LabCorp Variant Classification Summary - May 2015. Collection method: clinical testing. Allele origin: germline.
Comment: Variant summary: TBXAS1 c.848T>C (p.Leu283Pro) results in a non-conservative amino acid change in the encoded protein sequence. Three of five in-silico tools predict a damaging effect of the variant on protein function. The variant allele was found at a frequency of 2.4e-05 in 249424 control chromosomes (gnomAD). The available data on variant occurrences in the general population are insufficient to allow any conclusion about variant significance. c.848T>C has been reported in the literature in an individual with characteristic clinical features of Ghosal Hematodiaphyseal Dysplasia, who carried a VUS in trans (Sharma_2018). These data do not allow clear conclusion about variant significance. To our knowledge, no experimental evidence demonstrating an impact on protein function has been reported. The following publication has been ascertained in the context of this evaluation (PMID: 28868793). No clinical diagnostic laboratories have submitted clinical-significance assessments for this variant to ClinVar after 2014. Based on the evidence outlined above, the variant was classified as uncertain significance.

Literature cited by the submitters: PubMed 28868793 (cited by Mayo Clinic Laboratories, Mayo Clinic and Women's Health and Genetics/Laboratory Corporation of America, LabCorp); PubMed 37647632 (cited by Mayo Clinic Laboratories, Mayo Clinic).

NM_001061.7(TBXAS1):c.848T>C (p.Leu283Pro)

Gene: TBXAS1 (thromboxane A synthase 1; plus strand). Cytogenetic location: 7q34.
Variant type: single nucleotide variant.
Coding change: c.848T>C on transcript NM_001061.7 (MANE Select); coding-DNA position 848, T replaced by C.
Protein change: p.Leu283Pro; replaces leucine 283 with proline.
Molecular consequence: missense variant.
Genome position (GRCh38, 1-based): chr7:139,961,947, T>C. VCF-style: chr7-139961947-T-C. GRCh37 (hg19) VCF-style: chr7-139661746-T-C.
Other names: p.Leu283Pro; c.848T>C (NM_001061.6); c.848T>C, p.Leu283Pro (NM_001130966.5, NM_030984.6); c.986T>C, p.Leu329Pro (NM_001166253.4); c.647T>C, p.Leu216Pro (NM_001166254.4); c.791T>C, p.Leu264Pro (NM_001314028.4); c.665T>C, p.Leu222Pro (NM_001366537.3); c.851T>C (NM_001061.4); short protein forms L216P, L222P, L264P, L283P, L284P, L329P, L330P.
Identifiers: ClinVar variation 2445857 (VCV002445857.4), dbSNP rs199733937, ClinGen allele CA167953440.